The following is an entry in ClinVar:

NM_001378615.1(CC2D2A):c.4533G>C (p.Trp1511Cys)

Genes: CC2D2A (coiled-coil and C2 domain containing 2A; plus strand), FBXL5 (F-box and leucine rich repeat protein 5; minus strand). Cytogenetic location: 4p15.32.
Variant type: single nucleotide variant.
Coding change: c.4533G>C on transcript NM_001378615.1 (MANE Select); coding-DNA position 4533, G replaced by C.
Protein change: p.Trp1511Cys; replaces tryptophan 1511 with cysteine.
Molecular consequence: missense variant.
Genome position (GRCh38, 1-based): chr4:15,599,565, G>C. VCF-style: chr4-15599565-G-C. GRCh37 (hg19) VCF-style: chr4-15601188-G-C.
Other names: c.4533G>C, p.Trp1511Cys (NM_001080522.2); c.4386G>C, p.Trp1462Cys (NM_001378617.1); short protein forms W1511C, W1462C.
Identifiers: ClinVar variation 265073 (VCV000265073.7), dbSNP rs777158229, ClinGen allele CA2864409.
Genomic context (GRCh38, chr4:15,599,565, plus strand): 5'-ATGGAATTTATGTTTTGTGAACAGGATTGAAAAAATACTAAAAGAAAAAATCATGGACTG[G>C]AGGCCACGCCATCTGACTCGGTGGAATAGGTATTGTACCTCTACTCTGCGTCACTTCTTG-3'
Protein context (NP_001365544.1, residues 1501-1521): EKILKEKIMD[Trp1511Cys]RPRHLTRWNR

ClinVar aggregate classification (germline): Conflicting classifications of pathogenicity. Review status: criteria provided, conflicting classifications (1 of 4 stars). 3 submissions from 3 submitters: Pathogenic (1); Likely pathogenic (1); Uncertain significance (1). Last evaluated 2025-07-08.

Conditions:
Joubert syndrome. Also called: Familial aplasia of the vermis; JOUBERT-BOLTSHAUSER SYNDROME. Identifiers: Orphanet 475, MedGen C5979921, MONDO:0018772.
Meckel-Gruber syndrome. Also called: Dysencephalia splachnocystica; DYSENCEPHALIA SPLANCHNOCYSTICA; GRUBER SYNDROME. Identifiers: Orphanet 564, MedGen C0265215, MONDO:0018921.

Allele frequency attached by ClinVar (database versions not stated): gnomAD exomes below 0.00001; ExAC 0.00001; TOPMed 0.00001.

Submissions (3):

Women's Health and Genetics/Laboratory Corporation of America, LabCorp
Classification: Uncertain significance. Last evaluated: 2025-07-08. Review status: criteria provided, single submitter. Criteria: LabCorp Variant Classification Summary - May 2015. Collection method: clinical testing. Allele origin: germline.
Comment: Variant summary: CC2D2A c.4533G>C (p.Trp1511Cys) results in a non-conservative amino acid change in the encoded protein sequence. Algorithms developed to predict the effect of missense changes on protein structure and function all suggest that this variant is likely to be disruptive. The variant allele was found at a frequency of 4.2e-06 in 240710 control chromosomes. The available data on variant occurrences in the general population are insufficient to allow any conclusion about variant significance. c.4533G>C has been reported in the literature in an individual affected with Abnormality of the Nervous System (Retterer_2016). This report does not provide unequivocal conclusions about association of the variant with Meckel Syndrome Type 6. To our knowledge, no experimental evidence demonstrating an impact on protein function has been reported. The following publication has been ascertained in the context of this evaluation (PMID: 26633542).ClinVar contains an entry for this variant (Variation ID: 265073). Based on the evidence outlined above, the variant was classified as uncertain significance.

Labcorp Genetics (formerly Invitae), Labcorp
Classification: Likely pathogenic for Joubert syndrome; Meckel-Gruber syndrome. Last evaluated: 2025-03-25. Review status: criteria provided, single submitter. Criteria: Invitae Variant Classification Sherloc (09022015). Collection method: clinical testing. Allele origin: germline.
Comment: This sequence change replaces tryptophan, which is neutral and slightly polar, with cysteine, which is neutral and slightly polar, at codon 1511 of the CC2D2A protein (p.Trp1511Cys). This variant is present in population databases (rs777158229, gnomAD 0.0009%). This missense change has been observed in individual(s) with CC2D2A-related conditions (PMID: 26633542). ClinVar contains an entry for this variant (Variation ID: 265073). Invitae Evidence Modeling of protein sequence and biophysical properties (such as structural, functional, and spatial information, amino acid conservation, physicochemical variation, residue mobility, and thermodynamic stability) indicates that this missense variant is expected to disrupt CC2D2A protein function with a positive predictive value of 95%. This variant disrupts the p.Trp1511 amino acid residue in CC2D2A. Other variant(s) that disrupt this residue have been determined to be pathogenic (PMID: 23169490). This suggests that this residue is clinically significant, and that variants that disrupt this residue are likely to be disease-causing. In summary, the currently available evidence indicates that the variant is pathogenic, but additional data are needed to prove that conclusively. Therefore, this variant has been classified as Likely Pathogenic.

GeneDx
Classification: Pathogenic. Last evaluated: 2023-09-27. Review status: criteria provided, single submitter. Criteria: GeneDx Variant Classification Process June 2021. Collection method: clinical testing. Allele origin: germline. Affected: yes.
Comment: Not observed at significant frequency in large population cohorts (gnomAD); In silico analysis supports that this missense variant has a deleterious effect on protein structure/function; Reported in an individual with an abnormality of the nervous system, however no further information was provided (Retterer et al., 2016); This variant is associated with the following publications: (PMID: 23169490, 31964843, 26633542)

Literature cited by the submitters: PubMed 26633542 (cited by Women's Health and Genetics/Laboratory Corporation of America, LabCorp and Labcorp Genetics (formerly Invitae), Labcorp); PubMed 23169490 (cited by Labcorp Genetics (formerly Invitae), Labcorp).